The following is an entry in ClinVar:

ClinVar aggregate classification (germline): Likely pathogenic (1 of 4 stars; one submission).

Conditions:
TBCK-related disorder. Also called: TBCK-related condition; TBCK-related disorders.

Submission:

PreventionGenetics, part of Exact Sciences
Classification: Likely pathogenic for TBCK-related condition. Last evaluated: 2022-08-30. Review status: criteria provided, single submitter. Criteria: ACMG Guidelines, 2015. Collection method: clinical testing. Allele origin: germline.
Comment: The TBCK c.1475dupC variant is predicted to result in a frameshift and premature protein termination (p.Ile493Asnfs*2). To our knowledge, this variant has not been reported in the literature or in a large population database, indicating this variant is rare. Frameshift variants in TBCK are expected to be pathogenic. This variant is interpreted as likely pathogenic.

NM_001163435.3(TBCK):c.1475dup (p.Ile493fs)

Gene: TBCK (TBC1 domain containing kinase; minus strand). Cytogenetic location: 4q24.
Variant type: Duplication.
Coding change: c.1475dup on transcript NM_001163435.3 (MANE Select); coding-DNA position 1475, one base duplicated (C; older notation c.1475dupC).
Protein change: p.Ile493fs; shifts the reading frame from isoleucine 493.
Molecular consequence: frameshift variant.
Genome position (GRCh38, 1-based): chr4:106,233,625, G duplicated on the plus strand (C on the coding strand, the reverse complement: TBCK is on the minus strand). VCF-style (leftmost placement, unchanged base first): chr4-106233624-T-TG. GRCh37 (hg19) VCF-style: chr4-107154781-T-TG.
Other names: c.1475dup, p.Ile493fs (NM_001163436.4); c.1358dup, p.Ile454fs (NM_001163437.3); c.959dup, p.Ile321fs (NM_001290768.2); c.1286dup, p.Ile430fs (NM_033115.5); short protein forms I321fs, I430fs, I454fs, I493fs.
Identifiers: ClinVar variation 2636491 (VCV002636491.1), dbSNP rs2467608578, ClinGen allele CA2695198509.